The following is an entry in ClinVar:

NM_001042492.3(NF1):c.4836-11382_4836-11381del

Gene: NF1 (neurofibromin 1; plus strand). Cytogenetic location: 17q11.2.
Variant type: Microsatellite.
Coding change: c.4836-11382_4836-11381del on transcript NM_001042492.3 (MANE Select); 11382 bases into the intron before coding-DNA position 4836 through 11381 bases into the intron before coding-DNA position 4836, 2 bases deleted (CT; older notation c.4836-11382_4836-11381delCT).
Molecular consequence: intron variant.
Genome position (GRCh38, 1-based): chr17:31,314,438-31,314,439, CT deleted; deleting any 2 consecutive bases within chr17:31,314,436-31,314,439 gives the same sequence; the c. name uses the placement nearest the transcript's 3' end. VCF-style (leftmost placement, unchanged base first): chr17-31314435-ACT-A. GRCh37 (hg19) VCF-style: chr17-29641453-ACT-A.
Other names: c.4773-11382_4773-11381del (NM_000267.4).
Identifiers: ClinVar variation 2647637 (VCV002647637.24), dbSNP rs557953641, ClinGen allele CA289364109.

ClinVar aggregate classification (germline): Likely benign (1 of 4 stars; one submission).

Submission:

CeGaT Center for Human Genetics Tuebingen
Classification: Likely benign. Last evaluated: 2022-12-01. Review status: criteria provided, single submitter. Criteria: CeGaT Center For Human Genetics Tuebingen Variant Classification Criteria Version 2. Collection method: clinical testing. Allele origin: germline. Affected: yes. Observed: 1 variant allele.
Comment: NF1: BS1